The following is an entry in ClinVar:

ClinVar aggregate classification (germline): Uncertain significance (1 of 4 stars; one submission).

gnomAD v4.1: 12 of 1,614,056 alleles (0.00074%); highest among the groups gnomAD compares: East Asian, 0.0022%; no homozygotes.

Submission:

Labcorp Genetics (formerly Invitae), Labcorp
Classification: Uncertain significance. Last evaluated: 2022-06-08. Review status: criteria provided, single submitter. Criteria: Invitae Variant Classification Sherloc (09022015). Collection method: clinical testing. Allele origin: germline.
Comment: This sequence change replaces arginine, which is basic and polar, with proline, which is neutral and non-polar, at codon 103 of the USH1C protein (p.Arg103Pro). This variant is not present in population databases (gnomAD no frequency). This variant has not been reported in the literature in individuals affected with USH1C-related conditions. Algorithms developed to predict the effect of missense changes on protein structure and function (SIFT, PolyPhen-2, Align-GVGD) all suggest that this variant is likely to be disruptive. In summary, the available evidence is currently insufficient to determine the role of this variant in disease. Therefore, it has been classified as a Variant of Uncertain Significance.

NM_153676.4(USH1C):c.308G>C (p.Arg103Pro)

Gene: USH1C (USH1 protein network component harmonin; minus strand). Cytogenetic location: 11p15.1.
Variant type: single nucleotide variant.
Coding change: c.308G>C on transcript NM_153676.4 (MANE Select); coding-DNA position 308, G replaced by C.
Protein change: p.Arg103Pro; replaces arginine 103 with proline.
Molecular consequence: missense variant. On other transcripts: non-coding transcript variant (1).
Genome position (GRCh38, 1-based): chr11:17,531,233, C>G on the plus strand (G>C on the coding strand, the complement: USH1C is on the minus strand). VCF-style: chr11-17531233-C-G. GRCh37 (hg19) VCF-style: chr11-17552780-C-G.
Other names: c.308G>C, p.Arg103Pro (NM_001297764.2, NM_005709.4); short protein forms R103P.
Identifiers: ClinVar variation 1934684 (VCV001934684.2), dbSNP rs397514500, ClinGen allele CA218464934.